The following is an entry in ClinVar:

ClinVar aggregate classification (germline): Likely pathogenic (1 of 4 stars; one submission).

Submission:

Dasa
Classification: Likely pathogenic. Last evaluated: 2025-07-15. Review status: criteria provided, single submitter. Criteria: DASA Assertion Criteria. Collection method: clinical testing. Allele origin: germline.
Comment: NM_000282.4(PCCA):c.232-1G>T affects a canonical splice site and is predicted to disrupt normal RNA splicing. Loss of function is an established disease mechanism for PCCA-associated disorders. Also, this variant is absent from population databases. Based on the currently available evidence, this variant is classified as likely pathogenic.

NM_000282.4(PCCA):c.232-1G>T

Gene: PCCA (propionyl-CoA carboxylase subunit alpha; plus strand). Cytogenetic location: 13q32.3.
Variant type: single nucleotide variant.
Coding change: c.232-1G>T on transcript NM_000282.4 (MANE Select); the canonical splice acceptor site of the intron before coding-DNA position 232, G replaced by T.
Molecular consequence: splice acceptor variant.
Genome position (GRCh38, 1-based): chr13:100,111,992, G>T. VCF-style: chr13-100111992-G-T. GRCh37 (hg19) VCF-style: chr13-100764246-G-T.
Other names: c.-635-1G>T (NM_001352610.2, NM_001352611.2, NM_001352612.2); c.154-1G>T (NM_001127692.3, NM_001352607.2, NM_001352608.2); c.232-1G>T (NM_001352609.2, NM_001178004.2, NM_001352605.2 and 1 more transcripts).
Identifiers: ClinVar variation 4886092 (VCV004886092.2).
Genomic context (GRCh38, chr13:100,111,992, plus strand): 5'-ATTTATTAAACCCCTTTAAGTGTGAATCACTATTAATAGACATTAATATATTTTAAAATA[G>T]GTTATTAGAACTTGCAAGAAGATGGGCATTAAGACAGTTGCCATCCACAGTGATGTTGAT-3'